The following is an entry in ClinVar:

ClinVar aggregate classification (germline): Uncertain significance (1 of 4 stars; one submission).

Conditions:
Amyotrophic lateral sclerosis type 1 (ALS1). Also called: AMYOTROPHIC LATERAL SCLEROSIS 1, FAMILIAL. Identifiers: Orphanet 803, MedGen C1862939, MONDO:0007103, OMIM 105400.
Perry syndrome. Also called: PARKINSONISM WITH ALVEOLAR HYPOVENTILATION AND MENTAL DEPRESSION. Identifiers: Orphanet 178509, MedGen C1868594, MONDO:0008201, OMIM 168605.
Neuronopathy, distal hereditary motor, type 7B. Also called: LOWER MOTOR NEURON DISEASE, DYNACTIN TYPE; HMN VIIB; NEURONOPATHY, DISTAL HEREDITARY MOTOR, AUTOSOMAL DOMINANT 14; NEURONOPATHY, DISTAL HEREDITARY MOTOR, HARDING TYPE VIIB; NEUROPATHY, DISTAL HEREDITARY MOTOR, HARDING TYPE VIIB; NEUROPATHY, DISTAL HEREDITARY MOTOR, WITH VOCAL CORD PARALYSIS, HARDING TYPE VIIB. Identifiers: Orphanet 139589, MedGen C1843315, MONDO:0011879, OMIM 607641.

Allele frequency attached by ClinVar (database versions not stated): ExAC 0.00001; gnomAD exomes 0.00001.
gnomAD v4.1: 14 of 1,614,224 alleles (0.00087%); highest among the groups gnomAD compares: East Asian, 0.011%; no homozygotes.

Submission:

Labcorp Genetics (formerly Invitae), Labcorp
Classification: Uncertain significance for Amyotrophic lateral sclerosis type 1; Neuronopathy, distal hereditary motor, type 7B; Perry syndrome. Last evaluated: 2024-06-29. Review status: criteria provided, single submitter. Criteria: Invitae Variant Classification Sherloc (09022015). Collection method: clinical testing. Allele origin: germline.
Comment: This sequence change replaces arginine, which is basic and polar, with glutamine, which is neutral and polar, at codon 598 of the DCTN1 protein (p.Arg598Gln). This variant is present in population databases (rs779723221, gnomAD 0.007%). This variant has not been reported in the literature in individuals affected with DCTN1-related conditions. ClinVar contains an entry for this variant (Variation ID: 641474). Advanced modeling of protein sequence and biophysical properties (such as structural, functional, and spatial information, amino acid conservation, physicochemical variation, residue mobility, and thermodynamic stability) performed at Invitae indicates that this missense variant is not expected to disrupt DCTN1 protein function with a negative predictive value of 80%. In summary, the available evidence is currently insufficient to determine the role of this variant in disease. Therefore, it has been classified as a Variant of Uncertain Significance.

NM_004082.5(DCTN1):c.1793G>A (p.Arg598Gln)

Gene: DCTN1 (dynactin subunit 1; minus strand). Cytogenetic location: 2p13.1.
Variant type: single nucleotide variant.
Coding change: c.1793G>A on transcript NM_004082.5 (MANE Select); coding-DNA position 1793, G replaced by A.
Protein change: p.Arg598Gln; replaces arginine 598 with glutamine.
Molecular consequence: missense variant. On other transcripts: non-coding transcript variant (1).
Genome position (GRCh38, 1-based): chr2:74,368,789, C>T on the plus strand (G>A on the coding strand, the complement: DCTN1 is on the minus strand). VCF-style: chr2-74368789-C-T. GRCh37 (hg19) VCF-style: chr2-74595916-C-T.
Other names: c.1733G>A, p.Arg578Gln (NM_001135040.3); c.1391G>A, p.Arg464Gln (NM_001135041.3, NM_023019.4); c.1682G>A, p.Arg561Gln (NM_001190836.2); c.1772G>A, p.Arg591Gln (NM_001190837.2); c.1742G>A, p.Arg581Gln (NM_001378991.1); c.1724G>A, p.Arg575Gln (NM_001378992.1); short protein forms R578Q, R591Q, R464Q, R598Q, R561Q, R575Q, R581Q.
Identifiers: ClinVar variation 641474 (VCV000641474.9), dbSNP rs779723221, ClinGen allele CA1722040.
Genomic context (GRCh38, chr2:74,368,789, plus strand): 5'-TTGCAAATGAGACGAGGCATGAGCAACAGCACCAGAACGCAGTCATGGTCCCCACCTGGC[C>T]GAAGGAAGCTGTCAGGCATGAAGGCTGTCAGCAGGGACATGTGTCGATTGGCCTGGGCCA-3'
Protein context (NP_004073.2, residues 588-608): LTAFMPDSFL[Arg598Gln]PGGDHDCVLV